The following is an entry in ClinVar:

NM_020693.4(DSCAML1):c.2518G>A (p.Ala840Thr)

Gene: DSCAML1 (DS cell adhesion molecule like 1; minus strand). Cytogenetic location: 11q23.3.
Variant type: single nucleotide variant.
Coding change: c.2518G>A on transcript NM_020693.4 (MANE Select); coding-DNA position 2518, G replaced by A.
Protein change: p.Ala840Thr; replaces alanine 840 with threonine.
Molecular consequence: missense variant.
Genome position (GRCh38, 1-based): chr11:117,482,004, C>T on the plus strand (G>A on the coding strand, the complement: DSCAML1 is on the minus strand). VCF-style: chr11-117482004-C-T. GRCh37 (hg19) VCF-style: chr11-117352719-C-T.
Other names: c.2698G>A (NM_020693.2); c.2518G>A, p.Ala840Thr (NM_001367904.1); short protein forms A840T.
Identifiers: ClinVar variation 2177476 (VCV002177476.5), dbSNP rs781432059, ClinGen allele CA6296987.

ClinVar aggregate classification (germline): Uncertain significance. Review status: criteria provided, multiple submitters, no conflicts (2 of 4 stars). 2 submissions from 2 submitters: Uncertain significance (2). Last evaluated 2025-04-19.

Allele frequency attached by ClinVar (database versions not stated): gnomAD 0.00001; ExAC 0.00002; gnomAD exomes 0.00002.
gnomAD v4.1: 25 of 1,614,016 alleles (0.0015%); highest among the groups gnomAD compares: Admixed American, 0.0033%; no homozygotes.

Submissions (2):

Ambry Genetics
Classification: Uncertain significance. Last evaluated: 2025-04-19. Review status: criteria provided, single submitter. Criteria: Ambry Variant Classification Scheme 2023. Collection method: clinical testing. Allele origin: germline.

Labcorp Genetics (formerly Invitae), Labcorp
Classification: Uncertain significance. Last evaluated: 2022-05-30. Review status: criteria provided, single submitter. Criteria: Invitae Variant Classification Sherloc (09022015). Collection method: clinical testing. Allele origin: germline.
Comment: This sequence change replaces alanine, which is neutral and non-polar, with threonine, which is neutral and polar, at codon 900 of the DSCAML1 protein (p.Ala900Thr). This variant is present in population databases (rs781432059, gnomAD 0.003%). This variant has not been reported in the literature in individuals affected with DSCAML1-related conditions. Algorithms developed to predict the effect of missense changes on protein structure and function output the following: SIFT: "Tolerated"; PolyPhen-2: "Benign"; Align-GVGD: "Class C0". The threonine amino acid residue is found in multiple mammalian species, which suggests that this missense change does not adversely affect protein function. In summary, the available evidence is currently insufficient to determine the role of this variant in disease. Therefore, it has been classified as a Variant of Uncertain Significance.